The following is an entry in ClinVar:

NM_000090.4(COL3A1):c.3824-11T>G

Gene: COL3A1 (collagen type III alpha 1 chain; plus strand). Cytogenetic location: 2q32.2.
Variant type: single nucleotide variant.
Coding change: c.3824-11T>G on transcript NM_000090.4 (MANE Select); 11 bases into the intron before coding-DNA position 3824, T replaced by G.
Molecular consequence: intron variant.
Genome position (GRCh38, 1-based): chr2:189,010,167, T>G. VCF-style: chr2-189010167-T-G. GRCh37 (hg19) VCF-style: chr2-189874893-T-G.
Identifiers: ClinVar variation 921384 (VCV000921384.14), dbSNP rs766096022, ClinGen allele CA076311.

ClinVar aggregate classification (germline): Likely benign. Review status: criteria provided, multiple submitters, no conflicts (2 of 4 stars). 3 submissions from 3 submitters: Likely benign (3). Last evaluated 2025-01-08.

Conditions:
Ehlers-Danlos syndrome, type 4 (EDSVASC). Also called: Ehlers-Danlos Syndrome Type IV; Ehlers-Danlos syndrome vascular type; Ehlers Danlos syndrome, ecchymotic type; Ehlers Danlos syndrome, arterial type; Ehlers Danlos syndrome, Sack-Barabas type. Identifiers: Orphanet 286, MedGen C0268338, MONDO:0017314, OMIM 130050.
Familial thoracic aortic aneurysm and aortic dissection (TAAD). Also called: Thoracic aortic aneurysms and dissections. Identifiers: Orphanet 91387, MedGen C4707243, MONDO:0019625.

Allele frequency attached by ClinVar (database versions not stated): gnomAD exomes below 0.00001 and 0.00001; ExAC 0.00001; gnomAD 0.00001; TOPMed 0.00002.
gnomAD v4.1: 18 of 1,613,648 alleles (0.0011%); highest among the groups gnomAD compares: Non-Finnish European, 0.0015%; no homozygotes.

Submissions (3):

Women's Health and Genetics/Laboratory Corporation of America, LabCorp
Classification: Likely benign. Last evaluated: 2025-01-08. Review status: criteria provided, single submitter. Criteria: LabCorp Variant Classification Summary - May 2015. Collection method: clinical testing. Allele origin: germline.
Comment: Variant summary: COL3A1 c.3824-11T>G alters a non-conserved nucleotide located at a position not widely known to affect splicing. Consensus agreement among computation tools predict no significant impact on normal splicing (TraP). However, these predictions have yet to be confirmed by functional studies. The variant allele was found at a frequency of 4e-06 in 251198 control chromosomes. The available data on variant occurrences in the general population are insufficient to allow any conclusion about variant significance. To our knowledge, no occurrence of c.3824-11T>G in individuals affected with Ehlers-Danlos Syndrome, Vascular Type and no experimental evidence demonstrating its impact on protein function have been reported. ClinVar contains an entry for this variant (Variation ID: 921384). Based on the evidence outlined above, the variant was classified as likely benign.

Color Diagnostics, LLC DBA Color Health
Classification: Likely benign for Familial thoracic aortic aneurysm and aortic dissection. Last evaluated: 2024-11-05. Review status: criteria provided, single submitter. Criteria: ACMG Guidelines, 2015. Collection method: clinical testing. Allele origin: germline.

Labcorp Genetics (formerly Invitae), Labcorp
Classification: Likely benign for Ehlers-Danlos syndrome, type 4. Last evaluated: 2024-06-04. Review status: criteria provided, single submitter. Criteria: Invitae Variant Classification Sherloc (09022015). Collection method: clinical testing. Allele origin: germline.